The following is an entry in ClinVar:

NM_001100913.3(PACS2):c.2033+1G>A

Gene: PACS2 (phosphofurin acidic cluster sorting protein 2; plus strand). Cytogenetic location: 14q32.33.
Variant type: single nucleotide variant.
Coding change: c.2033+1G>A on transcript NM_001100913.3 (MANE Select); the canonical splice donor site of the intron after coding-DNA position 2033, G replaced by A.
Molecular consequence: splice donor variant. On other transcripts: intron variant (2).
Genome position (GRCh38, 1-based): chr14:105,385,718, G>A. VCF-style: chr14-105385718-G-A. GRCh37 (hg19) VCF-style: chr14-105852055-G-A.
Other names: c.1763+731G>A (NM_001243127.3); c.1988+731G>A (NM_015197.4).
Identifiers: ClinVar variation 2442480 (VCV002442480.1), dbSNP rs1555413454, ClinGen allele CA391184558.

ClinVar aggregate classification (germline): Uncertain significance (1 of 4 stars; one submission).

Allele frequency attached by ClinVar (database versions not stated): TOPMed below 0.00001; gnomAD 0.00001.

Submission:

GeneDx
Classification: Uncertain significance. Last evaluated: 2022-08-30. Review status: criteria provided, single submitter. Criteria: GeneDx Variant Classification Process June 2021. Collection method: clinical testing. Allele origin: germline. Affected: yes.
Comment: Not observed at significant frequency in large population cohorts (gnomAD); Canonical splice site variant in a gene or region of a gene for which loss of function is not a well-established mechanism of disease; Has not been previously published as pathogenic or benign to our knowledge